The following is an entry in ClinVar:

NM_001364905.1(LRBA):c.1924+3A>G

Gene: LRBA (LPS responsive beige-like anchor protein; minus strand). Cytogenetic location: 4q31.3.
Variant type: single nucleotide variant.
Coding change: c.1924+3A>G on transcript NM_001364905.1 (MANE Select); 3 bases into the intron after coding-DNA position 1924, A replaced by G.
Molecular consequence: intron variant.
Genome position (GRCh38, 1-based): chr4:150,900,046, T>C on the plus strand (A>G on the coding strand, the complement: LRBA is on the minus strand). VCF-style: chr4-150900046-T-C. GRCh37 (hg19) VCF-style: chr4-151821198-T-C.
Other names: c.1924+3A>G (NM_001367550.1, NM_006726.5, NM_001199282.3 and 2 more transcripts).
Identifiers: ClinVar variation 1419763 (VCV001419763.4), dbSNP rs746684369, ClinGen allele CA3103445.

ClinVar aggregate classification (germline): Uncertain significance (1 of 4 stars; one submission).

Conditions:
Combined immunodeficiency due to LRBA deficiency. Also called: Common variable immunodeficiency 8, with autoimmunity. Identifiers: Orphanet 445018, MedGen C3553512, MONDO:0013863, OMIM 614700.

Allele frequency attached by ClinVar (database versions not stated): gnomAD 0.00001; gnomAD exomes 0.00004 and 0.00001; TOPMed below 0.00001; ExAC 0.00003.
gnomAD v4.1: 14 of 1,601,258 alleles (0.00087%); highest among the groups gnomAD compares: South Asian, 0.011%; no homozygotes.

Submission:

Labcorp Genetics (formerly Invitae), Labcorp
Classification: Uncertain significance for Combined immunodeficiency due to LRBA deficiency. Last evaluated: 2024-02-24. Review status: criteria provided, single submitter. Criteria: Invitae Variant Classification Sherloc (09022015). Collection method: clinical testing. Allele origin: germline.
Comment: This sequence change falls in intron 14 of the LRBA gene. It does not directly change the encoded amino acid sequence of the LRBA protein. It affects a nucleotide within the consensus splice site. This variant is present in population databases (rs746684369, gnomAD 0.01%). This variant has not been reported in the literature in individuals affected with LRBA-related conditions. ClinVar contains an entry for this variant (Variation ID: 1419763). Variants that disrupt the consensus splice site are a relatively common cause of aberrant splicing (PMID: 17576681, 9536098). Algorithms developed to predict the effect of sequence changes on RNA splicing suggest that this variant may disrupt the consensus splice site. In summary, the available evidence is currently insufficient to determine the role of this variant in disease. Therefore, it has been classified as a Variant of Uncertain Significance.

Literature cited by the submitters: PubMed 17576681; PubMed 9536098.